The following is an entry in ClinVar:

ClinVar aggregate classification (germline): Likely benign. Review status: criteria provided, multiple submitters, no conflicts (2 of 4 stars). 3 submissions from 3 submitters: Likely benign (3). Last evaluated 2025-02-15.

Conditions:
Familial thoracic aortic aneurysm and aortic dissection (TAAD). Also called: Thoracic aortic aneurysms and dissections. Identifiers: Orphanet 91387, MedGen C4707243, MONDO:0019625.

gnomAD v4.1: 1 of 1,614,188 alleles (0.000062%); highest among the groups gnomAD compares: Admixed American, 0.0017%; no homozygotes.

Submissions (3):

Ambry Genetics
Classification: Likely benign for Familial thoracic aortic aneurysm and aortic dissection. Last evaluated: 2025-02-15. Review status: criteria provided, single submitter. Criteria: Ambry Variant Classification Scheme 2023. Collection method: clinical testing. Allele origin: germline.

All of Us Research Program, National Institutes of Health
Classification: Likely benign for Familial thoracic aortic aneurysm and aortic dissection. Last evaluated: 2023-08-15. Review status: criteria provided, single submitter. Criteria: ACMG Guidelines, 2015. Collection method: clinical testing. Allele origin: germline. Inheritance: Autosomal dominant inheritance. Observed: 1 variant allele, 1 heterozygote.
Comment: This study involves interpretation of variants in research participants for the purpose of population health screening. Participant phenotype was not available at the time of variant classification. Additional details can be found in publication PMID: 35346344, PMCID: PMC8962531

Labcorp Genetics (formerly Invitae), Labcorp
Classification: Likely benign. Last evaluated: 2018-03-29. Review status: criteria provided, single submitter. Criteria: Invitae Variant Classification Sherloc (09022015). Collection method: clinical testing. Allele origin: germline.

NM_002474.3(MYH11):c.3546C>T (p.Ala1182=)

Gene: MYH11 (myosin heavy chain 11; minus strand). Cytogenetic location: 16p13.11.
Variant type: single nucleotide variant.
Coding change: c.3546C>T on transcript NM_002474.3 (MANE Select); coding-DNA position 3546, C replaced by T.
Protein change: p.Ala1182=; no amino-acid change (alanine 1182 retained).
Molecular consequence: synonymous variant.
Genome position (GRCh38, 1-based): chr16:15,732,669, G>A on the plus strand (C>T on the coding strand, the complement: MYH11 is on the minus strand). VCF-style: chr16-15732669-G-A. GRCh37 (hg19) VCF-style: chr16-15826526-G-A.
Other names: c.3567C>T, p.Ala1189= (NM_001040113.2, NM_001040114.2); c.3546C>T, p.Ala1182= (NM_022844.3); c.3546C>T (NM_002474.2).
Identifiers: ClinVar variation 747827 (VCV000747827.5), dbSNP rs763802657, ClinGen allele CA493771231.